The following is an entry in ClinVar:

NM_199420.4(POLQ):c.6615T>A (p.Asn2205Lys)

Gene: POLQ (DNA polymerase theta; minus strand). Cytogenetic location: 3q13.33.
Variant type: single nucleotide variant.
Coding change: c.6615T>A on transcript NM_199420.4 (MANE Select); coding-DNA position 6615, T replaced by A.
Protein change: p.Asn2205Lys; replaces asparagine 2205 with lysine.
Molecular consequence: missense variant.
Genome position (GRCh38, 1-based): chr3:121,472,093, A>T on the plus strand (T>A on the coding strand, the complement: POLQ is on the minus strand). VCF-style: chr3-121472093-A-T. GRCh37 (hg19) VCF-style: chr3-121190940-A-T.
Other names: short protein forms N2205K.
Identifiers: ClinVar variation 1754489 (VCV001754489.2), dbSNP rs1178605910, ClinGen allele CA354085414.
Genomic context (GRCh38, chr3:121,472,093, plus strand): 5'-TCCAAGAAAAGGATTAAGACACTTTTCCCGCTGAAGGGGAAAGACCACTTTGGTAATAGC[A>T]TTAGTGATTCTTCTCCATTCTAATATCAAGCCTGGTAAAGGATGTAATGCCTTTAATTTA-3'
Protein context (NP_955452.3, residues 2195-2215): GLILEWRRIT[Asn2205Lys]AITKVVFPLQ

ClinVar aggregate classification (germline): Uncertain significance (1 of 4 stars; one submission).

Submission:

Ambry Genetics
Classification: Uncertain significance. Last evaluated: 2022-02-12. Review status: criteria provided, single submitter. Criteria: Ambry Variant Classification Scheme 2023. Collection method: clinical testing. Allele origin: germline.
Comment: The p.N2205K variant (also known as c.6615T>A), located in coding exon 22 of the POLQ gene, results from a T to A substitution at nucleotide position 6615. The asparagine at codon 2205 is replaced by lysine, an amino acid with similar properties. This amino acid position is conserved. In addition, this alteration is predicted to be tolerated by in silico analysis. Since supporting evidence is limited at this time, the clinical significance of this alteration remains unclear.